The following is an entry in ClinVar:

NM_007373.4(SHOC2):c.56C>T (p.Pro19Leu)

Gene: SHOC2 (SHOC2 leucine rich repeat scaffold protein; plus strand). Cytogenetic location: 10q25.2.
Variant type: single nucleotide variant.
Coding change: c.56C>T on transcript NM_007373.4 (MANE Select); coding-DNA position 56, C replaced by T.
Protein change: p.Pro19Leu; replaces proline 19 with leucine.
Molecular consequence: missense variant. On other transcripts: 5 prime UTR variant (1), non-coding transcript variant (1), intron variant (3).
Genome position (GRCh38, 1-based): chr10:110,964,414, C>T. VCF-style: chr10-110964414-C-T. GRCh37 (hg19) VCF-style: chr10-112724172-C-T.
Other names: c.56C>T, p.Pro19Leu (NM_001269039.3, NM_001324336.2, NM_001324337.2 and 4 more transcripts); c.-731C>T (NM_001441188.1); c.-380-21214C>T (NM_001441190.1); c.-249-21214C>T (NM_001441191.1); c.-242-36001C>T (NM_001441189.1); short protein forms P19L.
Identifiers: ClinVar variation 4164856 (VCV004164856.1).
Genomic context (GRCh38, chr10:110,964,414, plus strand): 5'-TCACCATGAGTAGTAGTTTAGGAAAAGAAAAAGACTCTAAAGAAAAAGATCCCAAAGTAC[C>T]ATCAGCCAAGGAAAGAGAAAAGGAGGCAAAAGCCTCTGGAGGTTTTGGGAAAGAGAGCAA-3'
Protein context (NP_031399.2, residues 9-29): KDSKEKDPKV[Pro19Leu]SAKEREKEAK

ClinVar aggregate classification (germline): Uncertain significance (1 of 4 stars; one submission).

Conditions:
Cardiovascular phenotype. Identifiers: MedGen CN230736.

Submission:

Ambry Genetics
Classification: Uncertain significance for Cardiovascular phenotype. Last evaluated: 2025-08-28. Review status: criteria provided, single submitter. Criteria: Ambry Variant Classification Scheme 2023. Collection method: clinical testing. Allele origin: germline.
Comment: The p.P19L variant (also known as c.56C>T), located in coding exon 1 of the SHOC2 gene, results from a C to T substitution at nucleotide position 56. The proline at codon 19 is replaced by leucine, an amino acid with similar properties. This amino acid position is conserved. In addition, this alteration is predicted to be tolerated by in silico analysis. Based on the available evidence, the clinical significance of this variant remains unclear.